The following is an entry in ClinVar:

NM_004999.4(MYO6):c.1030G>A (p.Val344Ile)

Gene: MYO6 (myosin VI; plus strand). Cytogenetic location: 6q14.1.
Variant type: single nucleotide variant.
Coding change: c.1030G>A on transcript NM_004999.4 (MANE Select); coding-DNA position 1030, G replaced by A.
Protein change: p.Val344Ile; replaces valine 344 with isoleucine.
Molecular consequence: missense variant. On other transcripts: non-coding transcript variant (1).
Genome position (GRCh38, 1-based): chr6:75,848,483, G>A. VCF-style: chr6-75848483-G-A. GRCh37 (hg19) VCF-style: chr6-76558200-G-A.
Other names: c.1030G>A, p.Val344Ile (NM_001300899.2, NM_001368136.1, NM_001368137.1 and 2 more transcripts); c.1015G>A, p.Val339Ile (NM_001368138.1); short protein forms V344I, V339I.
Identifiers: ClinVar variation 45132 (VCV000045132.16), dbSNP rs199798449, ClinGen allele CA135589.

ClinVar aggregate classification (germline): Conflicting classifications of pathogenicity. Review status: criteria provided, conflicting classifications (1 of 4 stars). 6 submissions from 5 submitters: Uncertain significance (4); Benign (1); Likely benign (1). Last evaluated 2025-02-13.

Conditions:
Autosomal recessive nonsyndromic hearing loss 37. Identifiers: Orphanet 90636, MedGen C1843028, MONDO:0011912, OMIM 607821.
Autosomal dominant nonsyndromic hearing loss 22. Also called: Autosomal dominant nonsyndromic deafness 22; DFNA 22. Identifiers: Orphanet 228012, MedGen C2931767, MONDO:0011660, OMIM 606346.

Allele frequency attached by ClinVar (database versions not stated): TOPMed 0.00012; ESP Exome Variant Server 0.00015; 1000 Genomes Project 30x 0.00016; 1000 Genomes Project 0.00020; gnomAD exomes 0.00028 and 0.00044; ExAC 0.00034; gnomAD 0.00049 and 0.00052.

Submissions (6):

Labcorp Genetics (formerly Invitae), Labcorp
Classification: Benign. Last evaluated: 2025-02-13. Review status: criteria provided, single submitter. Criteria: Invitae Variant Classification Sherloc (09022015). Collection method: clinical testing. Allele origin: germline.

Blueprint Genetics
Classification: Uncertain significance. Last evaluated: 2024-10-25. Review status: criteria provided, single submitter. Criteria: ACMG Guidelines, 2015. Collection method: clinical testing. Allele origin: germline.

GeneDx
Classification: Uncertain significance. Last evaluated: 2019-02-07. Review status: criteria provided, single submitter. Criteria: GeneDx Variant Classification Process June 2021. Collection method: clinical testing. Allele origin: germline. Affected: yes.
Comment: In silico analysis, which includes protein predictors and evolutionary conservation, supports that this variant does not alter protein structure/function; Has not been previously published as pathogenic or benign to our knowledge

Illumina Laboratory Services, Illumina
Classification: Uncertain significance for Autosomal recessive nonsyndromic hearing loss 37. Last evaluated: 2018-01-12. Review status: criteria provided, single submitter. Criteria: ICSL Variant Classification Criteria 13 December 2019. Collection method: clinical testing. Allele origin: germline.

Illumina Laboratory Services, Illumina
Classification: Uncertain significance for Autosomal dominant nonsyndromic hearing loss 22. Last evaluated: 2018-01-12. Review status: criteria provided, single submitter. Criteria: ICSL Variant Classification Criteria 13 December 2019. Collection method: clinical testing. Allele origin: germline.

Laboratory for Molecular Medicine, Mass General Brigham Personalized Medicine
Classification: Likely benign. Last evaluated: 2011-10-04. Review status: criteria provided, single submitter. Criteria: LMM Criteria. Collection method: clinical testing. Allele origin: germline. Observed: 1 variant allele.
Comment: The Val344Ile variant in MYO6: This variant is not expected to have clinical sig nificance because the Val344 residue is not fully conserved (isoleucine is obser ved in C. elegans) and computational analyses (biochemical amino acid properties , SIFT, AlignGVGD) do not suggest a high likelihood of impact to the protein.